The following is an entry in ClinVar:

NM_032806.6(POMGNT2):c.891C>A (p.Asn297Lys)

Gene: POMGNT2 (protein O-linked mannose N-acetylglucosaminyltransferase 2 (beta 1,4-); minus strand). Cytogenetic location: 3p22.1.
Variant type: single nucleotide variant.
Coding change: c.891C>A on transcript NM_032806.6 (MANE Select); coding-DNA position 891, C replaced by A.
Protein change: p.Asn297Lys; replaces asparagine 297 with lysine.
Molecular consequence: missense variant.
Genome position (GRCh38, 1-based): chr3:43,080,541, G>T on the plus strand (C>A on the coding strand, the complement: POMGNT2 is on the minus strand). VCF-style: chr3-43080541-G-T. GRCh37 (hg19) VCF-style: chr3-43122033-G-T.
Other names: c.891C>A (NM_032806.4); short protein forms N297K.
Identifiers: ClinVar variation 1034163 (VCV001034163.5), dbSNP rs1269685677, ClinGen allele CA352302284.

ClinVar aggregate classification (germline): Uncertain significance. Review status: criteria provided, multiple submitters, no conflicts (2 of 4 stars). 3 submissions from 3 submitters: Uncertain significance (3). Last evaluated 2025-05-14.

Conditions:
Muscular dystrophy-dystroglycanopathy (congenital with brain and eye anomalies), type a, 8 (MDDGA8). Also called: WALKER-WARBURG SYNDROME OR MUSCLE-EYE-BRAIN DISEASE, GTDC2-RELATED. Identifiers: Orphanet 899, MedGen C3553813, MONDO:0013904, OMIM 614830.
Inborn genetic diseases. Identifiers: MedGen C0950123, MeSH D030342.

Allele frequency attached by ClinVar (database versions not stated): TOPMed 0.00001; gnomAD exomes below 0.00001.
gnomAD v4.1: 6 of 1,614,236 alleles (0.00037%); highest among the groups gnomAD compares: Non-Finnish European, 0.00042%; no homozygotes.

Submissions (3):

Ambry Genetics
Classification: Uncertain significance for Inborn genetic diseases. Last evaluated: 2025-05-14. Review status: criteria provided, single submitter. Criteria: Ambry Variant Classification Scheme 2023. Collection method: clinical testing. Allele origin: germline.

Labcorp Genetics (formerly Invitae), Labcorp
Classification: Uncertain significance for Muscular dystrophy-dystroglycanopathy (congenital with brain and eye anomalies), type a, 8. Last evaluated: 2021-10-14. Review status: criteria provided, single submitter. Criteria: Invitae Variant Classification Sherloc (09022015). Collection method: clinical testing. Allele origin: germline.
Comment: This sequence change replaces asparagine with lysine at codon 297 of the POMGNT2 protein (p.Asn297Lys). The asparagine residue is highly conserved and there is a moderate physicochemical difference between asparagine and lysine. This variant is not present in population databases (ExAC no frequency). This variant has not been reported in the literature in individuals affected with POMGNT2-related conditions. Algorithms developed to predict the effect of missense changes on protein structure and function are either unavailable or do not agree on the potential impact of this missense change (SIFT: "Deleterious"; PolyPhen-2: "Possibly Damaging"; Align-GVGD: "Class C15"). In summary, the available evidence is currently insufficient to determine the role of this variant in disease. Therefore, it has been classified as a Variant of Uncertain Significance.

Baylor Genetics
Classification: Uncertain significance for Muscular dystrophy-dystroglycanopathy (congenital with brain and eye anomalies), type a, 8. Last evaluated: 2018-02-21. Review status: criteria provided, single submitter. Criteria: ACMG Guidelines, 2015. Collection method: clinical testing. Allele origin: maternal. Affected: yes.
Comment: This variant was determined to be of uncertain significance according to ACMG Guidelines, 2015 [PMID:25741868].